The following is an entry in ClinVar:

ClinVar aggregate classification (germline): Uncertain significance. Review status: criteria provided, multiple submitters, no conflicts (2 of 4 stars). 2 submissions from 2 submitters: Uncertain significance (2). Last evaluated 2026-07-07.

Conditions:
Hereditary cancer-predisposing syndrome. Also called: Hereditary Cancer Syndrome; Hereditary neoplastic syndrome; Neoplastic Syndromes, Hereditary; Tumor predisposition. Identifiers: Orphanet 140162, MedGen C0027672, MeSH D009386, MONDO:0015356.

Submissions (2):

Ambry Genetics
Classification: Uncertain significance for Hereditary cancer-predisposing syndrome. Last evaluated: 2026-07-07. Review status: criteria provided, single submitter. Criteria: Ambry Variant Classification Scheme 2023. Collection method: clinical testing. Allele origin: germline.
Comment: The p.T576N variant (also known as c.1727C>A), located in coding exon 12 of the CDH1 gene, results from a C to A substitution at nucleotide position 1727. The threonine at codon 576 is replaced by asparagine, an amino acid with similar properties. This amino acid position is conserved. In addition, this alteration is predicted to be tolerated by in silico analysis. Based on the available evidence, the clinical significance of this variant remains unclear.

Color Diagnostics, LLC DBA Color Health
Classification: Uncertain significance for Hereditary cancer-predisposing syndrome. Last evaluated: 2021-10-19. Review status: criteria provided, single submitter. Criteria: ACMG Guidelines, 2015. Collection method: clinical testing. Allele origin: germline.
Comment: This missense variant replaces threonine with asparagine at codon 576 of the CDH1 protein. To our knowledge, functional studies have not been reported for this variant. This variant has not been reported in individuals affected with hereditary cancer in the literature. This variant has not been identified in the general population by the Genome Aggregation Database (gnomAD). The available evidence is insufficient to determine the role of this variant in disease conclusively. Therefore, this variant is classified as a Variant of Uncertain Significance.

NM_004360.5(CDH1):c.1727C>A (p.Thr576Asn)

Gene: CDH1 (cadherin 1; plus strand). Cytogenetic location: 16q22.1.
Variant type: single nucleotide variant.
Coding change: c.1727C>A on transcript NM_004360.5 (MANE Select); coding-DNA position 1727, C replaced by A.
Protein change: p.Thr576Asn; replaces threonine 576 with asparagine.
Molecular consequence: missense variant. On other transcripts: 5 prime UTR variant (1).
Genome position (GRCh38, 1-based): chr16:68,822,016, C>A. VCF-style: chr16-68822016-C-A. GRCh37 (hg19) VCF-style: chr16-68855919-C-A.
Other names: c.1544C>A, p.Thr515Asn (NM_001317184.2); c.179C>A, p.Thr60Asn (NM_001317185.2); c.-239C>A (NM_001317186.2); short protein forms T60N, T515N, T576N.
Identifiers: ClinVar variation 2775037 (VCV002775037.3), dbSNP rs2152138151, ClinGen allele CA396466263.